The following is an entry in ClinVar:

NM_000388.4(CASR):c.1766T>A (p.Phe589Tyr)

Gene: CASR (calcium sensing receptor; plus strand). Cytogenetic location: 3q21.1.
Variant type: single nucleotide variant.
Coding change: c.1766T>A on transcript NM_000388.4 (MANE Select); coding-DNA position 1766, T replaced by A.
Protein change: p.Phe589Tyr; replaces phenylalanine 589 with tyrosine.
Molecular consequence: missense variant.
Genome position (GRCh38, 1-based): chr3:122,283,720, T>A. VCF-style: chr3-122283720-T-A. GRCh37 (hg19) VCF-style: chr3-122002567-T-A.
Other names: c.1796T>A, p.Phe599Tyr (NM_001178065.2); short protein forms F589Y, F599Y.
Identifiers: ClinVar variation 4784801 (VCV004784801.1).
Genomic context (GRCh38, chr3:122,283,720, plus strand): 5'-CTCACTCTTCACTGGGACATTTTACAGATGCCAGTGCCTGTAACAAGTGCCCAGATGACT[T>A]CTGGTCCAATGAGAACCACACCTCCTGCATTGCCAAGGAGATCGAGTTTCTGTCGTGGAC-3'
Protein context (NP_000379.3, residues 579-599): ASACNKCPDD[Phe589Tyr]WSNENHTSCI

ClinVar aggregate classification (germline): Uncertain significance (1 of 4 stars; one submission).

Conditions:
Autosomal dominant hypocalcemia 1 (HYPOC1). Also called: HYPOCALCEMIA, FAMILIAL. Identifiers: MedGen C3715128, MONDO:0011013, OMIM 601198.
Familial hypocalciuric hypercalcemia (FHH). Also called: Familial benign hypercalcemia. Identifiers: Orphanet 405, MedGen C1809471, MONDO:0018458.

Submission:

Labcorp Genetics (formerly Invitae), Labcorp
Classification: Uncertain significance for Familial hypocalciuric hypercalcemia; Autosomal dominant hypocalcemia 1. Last evaluated: 2025-04-22. Review status: criteria provided, single submitter. Criteria: Invitae Variant Classification Sherloc (09022015). Collection method: clinical testing. Allele origin: germline.
Comment: This sequence change replaces phenylalanine, which is neutral and non-polar, with tyrosine, which is neutral and polar, at codon 589 of the CASR protein (p.Phe589Tyr). This variant is not present in population databases (gnomAD no frequency). This variant has not been reported in the literature in individuals affected with CASR-related conditions. An algorithm developed to predict the effect of missense changes on protein structure and function (PolyPhen-2) suggests that this variant is likely to be tolerated. In summary, the available evidence is currently insufficient to determine the role of this variant in disease. Therefore, it has been classified as a Variant of Uncertain Significance.